The following is an entry in ClinVar:

NM_001130987.2(DYSF):c.2673G>A (p.Gly891=)

Gene: DYSF (dysferlin; plus strand). Cytogenetic location: 2p13.2.
Variant type: single nucleotide variant.
Coding change: c.2673G>A on transcript NM_001130987.2 (MANE Select); coding-DNA position 2673, G replaced by A.
Protein change: p.Gly891=; no amino-acid change (glycine 891 retained).
Molecular consequence: synonymous variant.
Genome position (GRCh38, 1-based): chr2:71,568,058, G>A. VCF-style: chr2-71568058-G-A. GRCh37 (hg19) VCF-style: chr2-71795188-G-A.
Other names: c.2622G>A, p.Gly874= (NM_001130455.2, NM_001130983.2); c.2577G>A, p.Gly859= (NM_001130976.2, NM_001130977.2); c.2619G>A, p.Gly873= (NM_001130978.2, NM_003494.4); c.2712G>A, p.Gly904= (NM_001130979.2); c.2670G>A, p.Gly890= (NM_001130980.2, NM_001130981.2); c.2715G>A, p.Gly905= (NM_001130982.2); c.2580G>A, p.Gly860= (NM_001130984.2, NM_001130986.2); c.2673G>A, p.Gly891= (NM_001130985.2).
Identifiers: ClinVar variation 471287 (VCV000471287.22), dbSNP rs530181166, ClinGen allele CA1706246.
Genomic context (GRCh38, chr2:71,568,058, plus strand): 5'-GGTCAAGCTGTGGTTTGGGCTCTCAGTGGATGAGAAGGAGTTCAACCAGTTTGCTGAGGG[G>A]AAGCTGTCTGTCTTTGCTGAAACCGTGAGTACCTGCCAGCCCCCACCTCTGCCTCCCACT-3'
Protein context (NP_001124459.1, residues 881-901): DEKEFNQFAE[Gly891=]KLSVFAETYE

ClinVar aggregate classification (germline): Conflicting classifications of pathogenicity. Review status: criteria provided, conflicting classifications (1 of 4 stars). 4 submissions from 4 submitters: Uncertain significance (1); Likely benign (3). Last evaluated 2026-01-09.

Conditions:
Neuromuscular disease caused by qualitative or quantitative defects of dysferlin. Also called: Qualitative or quantitative defects of dysferlin; Dysferlinopathy. Identifiers: Orphanet 207073, MedGen C2931687, MONDO:0016145.

Allele frequency attached by ClinVar (database versions not stated): gnomAD below 0.00001 and 0.00006; gnomAD exomes 0.00004 and 0.00005; ExAC 0.00007; 1000 Genomes Project 30x 0.00078; 1000 Genomes Project 0.00100.
gnomAD v4.1: 62 of 1,614,192 alleles (0.0038%); highest among the groups gnomAD compares: South Asian, 0.067%; no homozygotes.

Submissions (4):

Labcorp Genetics (formerly Invitae), Labcorp
Classification: Likely benign for Neuromuscular disease caused by qualitative or quantitative defects of dysferlin. Last evaluated: 2026-01-09. Review status: criteria provided, single submitter. Criteria: Invitae Variant Classification Sherloc (09022015). Collection method: clinical testing. Allele origin: germline.

CeGaT Center for Human Genetics Tuebingen
Classification: Likely benign. Last evaluated: 2025-11-01. Review status: criteria provided, single submitter. Criteria: CeGaT Center For Human Genetics Tuebingen Variant Classification Criteria Version 2. Collection method: clinical testing. Allele origin: germline. Affected: yes. Observed: 1 variant allele.
Comment: DYSF: BP4, BP7

Blueprint Genetics
Classification: Likely benign. Last evaluated: 2023-06-30. Review status: criteria provided, single submitter. Criteria: ACMG Guidelines, 2015. Collection method: clinical testing. Allele origin: germline.

Eurofins Ntd Llc (ga)
Classification: Uncertain significance. Last evaluated: 2017-03-21. Review status: criteria provided, single submitter. Criteria: EGL Classification Definitions 2015. Collection method: clinical testing. Allele origin: germline. Observed: 1 variant allele, 1 heterozygote.